The following is an entry in ClinVar:

NM_003998.4(NFKB1):c.1040dup (p.Leu349fs)

Gene: NFKB1 (nuclear factor kappa B subunit 1; plus strand). Cytogenetic location: 4q24.
Variant type: Duplication.
Coding change: c.1040dup on transcript NM_003998.4 (MANE Select); coding-DNA position 1040, one base duplicated (C; older notation c.1040dupC).
Protein change: p.Leu349fs; shifts the reading frame from leucine 349.
Molecular consequence: frameshift variant.
Genome position (GRCh38, 1-based): chr4:102,584,794, C duplicated; the last of 2 consecutive C bases (chr4:102,584,793-102,584,794); duplicating either gives the same sequence. VCF-style (leftmost placement, unchanged base first): chr4-102584792-A-AC. GRCh37 (hg19) VCF-style: chr4-103505949-A-AC.
Other names: c.1037dup, p.Leu348fs (NM_001165412.2, NM_001319226.2, NM_001382627.1); c.1040dup, p.Leu349fs (NM_001382625.1, NM_001382626.1); c.998dup, p.Leu335fs (NM_001382628.1); short protein forms L335fs, L349fs, L348fs.
Identifiers: ClinVar variation 1452916 (VCV001452916.6), dbSNP rs2149192697, ClinGen allele CA2573137883.

ClinVar aggregate classification (germline): Pathogenic (1 of 4 stars; one submission).

Submission:

Labcorp Genetics (formerly Invitae), Labcorp
Classification: Pathogenic. Last evaluated: 2020-11-21. Review status: criteria provided, single submitter. Criteria: Invitae Variant Classification Sherloc (09022015). Collection method: clinical testing. Allele origin: germline.
Comment: For these reasons, this variant has been classified as Pathogenic. This variant has not been reported in the literature in individuals with NFKB1-related conditions. This variant is not present in population databases (ExAC no frequency). This sequence change creates a premature translational stop signal (p.Leu349Profs*5) in the NFKB1 gene. It is expected to result in an absent or disrupted protein product. Loss-of-function variants in NFKB1 are known to be pathogenic (PMID: 26279205, 29477724).

Literature cited by the submitters: PubMed 26279205; PubMed 29477724.